The following is an entry in ClinVar:

NM_000780.4(CYP7A1):c.1301A>C (p.Tyr434Ser)

Gene: CYP7A1 (cytochrome P450 family 7 subfamily A member 1; minus strand). Cytogenetic location: 8q12.1.
Variant type: single nucleotide variant.
Coding change: c.1301A>C on transcript NM_000780.4 (MANE Select); coding-DNA position 1301, A replaced by C.
Protein change: p.Tyr434Ser; replaces tyrosine 434 with serine.
Molecular consequence: missense variant.
Genome position (GRCh38, 1-based): chr8:58,491,689, T>G on the plus strand (A>C on the coding strand, the complement: CYP7A1 is on the minus strand). VCF-style: chr8-58491689-T-G. GRCh37 (hg19) VCF-style: chr8-59404248-T-G.
Other names: short protein forms Y434S.
Identifiers: ClinVar variation 3623177 (VCV003623177.2).

ClinVar aggregate classification (germline): Uncertain significance (1 of 4 stars; one submission).

Submission:

Labcorp Genetics (formerly Invitae), Labcorp
Classification: Uncertain significance. Last evaluated: 2024-11-24. Review status: criteria provided, single submitter. Criteria: Invitae Variant Classification Sherloc (09022015). Collection method: clinical testing. Allele origin: germline.
Comment: This sequence change replaces tyrosine, which is neutral and polar, with serine, which is neutral and polar, at codon 434 of the CYP7A1 protein (p.Tyr434Ser). This variant is not present in population databases (gnomAD no frequency). This variant has not been reported in the literature in individuals affected with CYP7A1-related conditions. Invitae Evidence Modeling of protein sequence and biophysical properties (such as structural, functional, and spatial information, amino acid conservation, physicochemical variation, residue mobility, and thermodynamic stability) indicates that this missense variant is not expected to disrupt CYP7A1 protein function with a negative predictive value of 80%. In summary, the available evidence is currently insufficient to determine the role of this variant in disease. Therefore, it has been classified as a Variant of Uncertain Significance.